The following is an entry in ClinVar:

ClinVar aggregate classification (germline): Likely benign. Review status: criteria provided, multiple submitters, no conflicts (2 of 4 stars). 2 submissions from 2 submitters: Likely benign (2). Last evaluated 2026-01-02.

Conditions:
FAS-related disorder. Also called: FAS-related condition.
Autoimmune lymphoproliferative syndrome type 1. Also called: AUTOIMMUNE LYMPHOPROLIFERATIVE SYNDROME, TYPE I, AUTOSOMAL DOMINANT. Identifiers: Orphanet 3261, MedGen C2717884, MONDO:0011158, OMIM 601859.

Allele frequency attached by ClinVar (database versions not stated): gnomAD exomes below 0.00001 and 0.00001; ExAC 0.00002; gnomAD 0.00002 and 0.00003; TOPMed 0.00002; 1000 Genomes Project 30x 0.00016; 1000 Genomes Project 0.00020.

Submissions (2):

Labcorp Genetics (formerly Invitae), Labcorp
Classification: Likely benign for Autoimmune lymphoproliferative syndrome. Last evaluated: 2026-01-02. Review status: criteria provided, single submitter. Criteria: Invitae Variant Classification Sherloc (09022015). Collection method: clinical testing. Allele origin: germline.

PreventionGenetics, part of Exact Sciences
Classification: Likely benign for FAS-related condition. Last evaluated: 2025-07-29. Review status: criteria provided, single submitter. Criteria: ACMG Guidelines, 2015. Collection method: clinical testing. Allele origin: germline.
Comment: This variant is classified as likely benign based on ACMG/AMP sequence variant interpretation guidelines (Richards et al. 2015 PMID: 25741868, with internal and published modifications).

NM_000043.6(FAS):c.948G>A (p.Lys316=)

Gene: FAS (Fas cell surface death receptor; plus strand). Cytogenetic location: 10q23.31.
Variant type: single nucleotide variant.
Coding change: c.948G>A on transcript NM_000043.6 (MANE Select); coding-DNA position 948, G replaced by A.
Protein change: p.Lys316=; no amino-acid change (lysine 316 retained).
Molecular consequence: synonymous variant. On other transcripts: 3 prime UTR variant (2), non-coding transcript variant (7).
Genome position (GRCh38, 1-based): chr10:89,014,390, G>A. VCF-style: chr10-89014390-G-A. GRCh37 (hg19) VCF-style: chr10-90774147-G-A.
Other names: c.*271G>A (NM_001320619.2); c.885G>A, p.Lys295= (NM_152871.4); c.*260G>A (NM_152872.4).
Identifiers: ClinVar variation 746285 (VCV000746285.12), dbSNP rs114502430, ClinGen allele CA5593239.